The following is an entry in ClinVar:

ClinVar aggregate classification (germline): Likely benign. Review status: criteria provided, multiple submitters, no conflicts (2 of 4 stars). 2 submissions from 2 submitters: Likely benign (2). Last evaluated 2026-09-14.

Conditions:
ARSG-related disorder. Also called: ARSG-related condition.

Allele frequency attached by ClinVar (database versions not stated): TOPMed below 0.00001; gnomAD exomes 0.00001; ExAC 0.00002.
gnomAD v4.1: 10 of 1,614,138 alleles (0.00062%); highest among the groups gnomAD compares: Middle Eastern, 0.017%; no homozygotes.

Submissions (2):

PreventionGenetics, part of Exact Sciences
Classification: Likely benign for ARSG-related condition. Last evaluated: 2026-09-14. Review status: criteria provided, single submitter. Criteria: ACMG Guidelines, 2015. Collection method: clinical testing. Allele origin: germline.
Comment: This variant is classified as likely benign based on ACMG/AMP sequence variant interpretation guidelines (Richards et al. 2015 PMID: 25741868, with internal and published modifications).

Labcorp Genetics (formerly Invitae), Labcorp
Classification: Likely benign. Last evaluated: 2026-01-06. Review status: criteria provided, single submitter. Criteria: Invitae Variant Classification Sherloc (09022015). Collection method: clinical testing. Allele origin: germline.

NM_001267727.2(ARSG):c.1167G>A (p.Val389=)

Gene: ARSG (arylsulfatase G; plus strand). Cytogenetic location: 17q24.2.
Variant type: single nucleotide variant.
Coding change: c.1167G>A on transcript NM_001267727.2 (MANE Select); coding-DNA position 1167, G replaced by A.
Protein change: p.Val389=; no amino-acid change (valine 389 retained).
Molecular consequence: synonymous variant.
Genome position (GRCh38, 1-based): chr17:68,395,148, G>A. VCF-style: chr17-68395148-G-A. GRCh37 (hg19) VCF-style: chr17-66391289-G-A.
Other names: c.1167G>A, p.Val389= (NM_001352899.2, NM_001352900.2, NM_001352901.2 and 3 more transcripts); c.1164G>A, p.Val388= (NM_001352903.2, NM_001352904.2, NM_001352905.2 and 2 more transcripts); c.1119G>A, p.Val373= (NM_001352909.2); c.1167G>A (NM_014960.4).
Identifiers: ClinVar variation 2160560 (VCV002160560.5), dbSNP rs759217028, ClinGen allele CA8728503.